The following is an entry in ClinVar:

NM_001374828.1(ARID1B):c.1120C>G (p.Pro374Ala)

Gene: ARID1B (AT-rich interaction domain 1B; plus strand). Cytogenetic location: 6q25.3.
Variant type: single nucleotide variant.
Coding change: c.1120C>G on transcript NM_001374828.1 (MANE Select); coding-DNA position 1120, C replaced by G.
Protein change: p.Pro374Ala; replaces proline 374 with alanine.
Molecular consequence: missense variant.
Genome position (GRCh38, 1-based): chr6:156,778,800, C>G. VCF-style: chr6-156778800-C-G. GRCh37 (hg19) VCF-style: chr6-157099934-C-G.
Other names: c.1120C>G, p.Pro374Ala (NM_001371656.1, NM_001374820.1, NM_017519.3); short protein forms P374A.
Identifiers: ClinVar variation 1411946 (VCV001411946.8), dbSNP rs1181241906, ClinGen allele CA366383140.

ClinVar aggregate classification (germline): Uncertain significance (1 of 4 stars; one submission).

Allele frequency attached by ClinVar (database versions not stated): gnomAD 0.00001.
gnomAD v4.1: 10 of 1,501,140 alleles (0.00067%); highest among the groups gnomAD compares: Admixed American, 0.0021%; no homozygotes.

Submission:

Labcorp Genetics (formerly Invitae), Labcorp
Classification: Uncertain significance. Last evaluated: 2025-03-07. Review status: criteria provided, single submitter. Criteria: Invitae Variant Classification Sherloc (09022015). Collection method: clinical testing. Allele origin: germline.
Comment: This sequence change replaces proline, which is neutral and non-polar, with alanine, which is neutral and non-polar, at codon 291 of the ARID1B protein (p.Pro291Ala). This variant is not present in population databases (gnomAD no frequency). This variant has not been reported in the literature in individuals affected with ARID1B-related conditions. ClinVar contains an entry for this variant (Variation ID: 1411946). Invitae Evidence Modeling of protein sequence and biophysical properties (such as structural, functional, and spatial information, amino acid conservation, physicochemical variation, residue mobility, and thermodynamic stability) indicates that this missense variant is not expected to disrupt ARID1B protein function with a negative predictive value of 95%. In summary, the available evidence is currently insufficient to determine the role of this variant in disease. Therefore, it has been classified as a Variant of Uncertain Significance.